The following is an entry in ClinVar:

ClinVar aggregate classification (germline): Conflicting classifications of pathogenicity. Review status: criteria provided, conflicting classifications (1 of 4 stars). 2 submissions from 2 submitters: Uncertain significance (1); Likely benign (1). Last evaluated 2024-09-30.

Conditions:
Hereditary cancer-predisposing syndrome. Also called: Neoplastic Syndromes, Hereditary; Hereditary Cancer Syndrome; Tumor predisposition; Hereditary neoplastic syndrome. Identifiers: Orphanet 140162, MedGen C0027672, MeSH D009386, MONDO:0015356.

Submissions (2):

Color Diagnostics, LLC DBA Color Health
Classification: Likely benign for Hereditary cancer-predisposing syndrome. Last evaluated: 2024-09-30. Review status: criteria provided, single submitter. Criteria: ACMG Guidelines, 2015. Collection method: clinical testing. Allele origin: germline.

GeneDx
Classification: Uncertain significance. Last evaluated: 2024-06-05. Review status: criteria provided, single submitter. Criteria: GeneDx Variant Classification Process June 2021. Collection method: clinical testing. Allele origin: germline. Affected: yes.
Comment: Not observed at significant frequency in large population cohorts (gnomAD); In silico analysis indicates that this variant does not alter splicing; Has not been previously published as pathogenic or benign to our knowledge

NM_032043.3(BRIP1):c.1629-11T>G

Gene: BRIP1 (BRCA1 interacting DNA helicase 1; minus strand). Cytogenetic location: 17q23.2.
Variant type: single nucleotide variant.
Coding change: c.1629-11T>G on transcript NM_032043.3 (MANE Select); 11 bases into the intron before coding-DNA position 1629, T replaced by G.
Molecular consequence: intron variant.
Genome position (GRCh38, 1-based): chr17:61,781,016, A>C on the plus strand (T>G on the coding strand, the complement: BRIP1 is on the minus strand). VCF-style: chr17-61781016-A-C. GRCh37 (hg19) VCF-style: chr17-59858377-A-C.
Identifiers: ClinVar variation 3384260 (VCV003384260.2).